The following is an entry in ClinVar:

NM_025137.4(SPG11):c.3655G>C (p.Glu1219Gln)

Gene: SPG11 (SPG11 vesicle trafficking associated, spatacsin; minus strand). Cytogenetic location: 15q21.1.
Variant type: single nucleotide variant.
Coding change: c.3655G>C on transcript NM_025137.4 (MANE Select); coding-DNA position 3655, G replaced by C.
Protein change: p.Glu1219Gln; replaces glutamic acid 1219 with glutamine.
Molecular consequence: missense variant.
Genome position (GRCh38, 1-based): chr15:44,600,498, C>G on the plus strand (G>C on the coding strand, the complement: SPG11 is on the minus strand). VCF-style: chr15-44600498-C-G. GRCh37 (hg19) VCF-style: chr15-44892696-C-G.
Other names: c.3655G>C, p.Glu1219Gln (NM_001160227.2, NM_001411132.1); short protein forms E1219Q.
Identifiers: ClinVar variation 4987976 (VCV004987976.1).
Genomic context (GRCh38, chr15:44,600,498, plus strand): 5'-CCAGACAAAATTATATTTTAAATACTCACAGCTGCTTGGGAGTCTTGCTCTTGATTAATT[C>G]CTGGACCAGAAAAGTACCAAATGCAAATGATGGCCGCCCATTATGTAAATAATAAGCAAA-3'
Protein context (NP_079413.3, residues 1209-1229): SFAFGTFLVQ[Glu1219Gln]LIKSKTPKQL

ClinVar aggregate classification (germline): Uncertain significance (1 of 4 stars; one submission).

Conditions:
SPG11-related disorder. Also called: SPG11-related condition.

gnomAD v4.1: 5 of 1,613,946 alleles (0.00031%); highest among the groups gnomAD compares: Admixed American, 0.0017%; no homozygotes.

Submission:

PreventionGenetics, part of Exact Sciences
Classification: Uncertain significance for SPG11-related condition. Last evaluated: 2026-09-22. Review status: criteria provided, single submitter. Criteria: ACMG Guidelines, 2015. Collection method: clinical testing. Allele origin: germline.
Comment: The SPG11 c.3655G>C variant is predicted to result in the amino acid substitution p.Glu1219Gln. To our knowledge, this variant has not been reported in the literature. This variant is reported in 0.00088% of alleles in individuals of European (Non-Finnish) descent in gnomAD. At this time, the clinical significance of this variant is uncertain due to the absence of conclusive functional and genetic evidence.